The following is an entry in ClinVar:

NM_000489.6(ATRX):c.4233G>T (p.Glu1411Asp)

Gene: ATRX (ATRX chromatin remodeler; minus strand). Cytogenetic location: Xq21.1.
Variant type: single nucleotide variant.
Coding change: c.4233G>T on transcript NM_000489.6 (MANE Select); coding-DNA position 4233, G replaced by T.
Protein change: p.Glu1411Asp; replaces glutamic acid 1411 with aspartic acid.
Molecular consequence: missense variant.
Genome position (GRCh38, 1-based): chrX:77,654,182, C>A on the plus strand (G>T on the coding strand, the complement: ATRX is on the minus strand). VCF-style: chrX-77654182-C-A. GRCh37 (hg19) VCF-style: chrX-76909672-C-A.
Other names: c.4233G>T (NM_000489.3); c.4119G>T, p.Glu1373Asp (NM_138270.5); short protein forms E1373D, E1411D.
Identifiers: ClinVar variation 664883 (VCV000664883.9), dbSNP rs1557118780, ClinGen allele CA413709631.

ClinVar aggregate classification (germline): Uncertain significance. Review status: criteria provided, multiple submitters, no conflicts (2 of 4 stars). 2 submissions from 2 submitters: Uncertain significance (2). Last evaluated 2025-02-25.

Conditions:
Alpha thalassemia-X-linked intellectual disability syndrome (ATRX). Also called: ALPHA-THALASSEMIA/IMPAIRED INTELLECTUAL DEVELOPMENT SYNDROME, X-LINKED; ALPHA-THALASSEMIA/MENTAL RETARDATION SYNDROME, X-LINKED; ATR, NONDELETION TYPE; X-linked alpha-thalassemia-mental retardation syndrome; ATR-X syndrome; Alpha thalassemia mental retardation syndrome, nondeletion type, X-linked. Identifiers: Orphanet 847, MedGen C1845055, MONDO:0010519, OMIM 301040.

Submissions (2):

GeneDx
Classification: Uncertain significance. Last evaluated: 2025-02-25. Review status: criteria provided, single submitter. Criteria: GeneDx Variant Classification Process June 2021. Collection method: clinical testing. Allele origin: germline. Affected: yes.
Comment: Not observed at significant frequency in large population cohorts (gnomAD); In silico analysis indicates that this missense variant does not alter protein structure/function; Has not been previously published as pathogenic or benign to our knowledge

Labcorp Genetics (formerly Invitae), Labcorp
Classification: Uncertain significance for Alpha thalassemia-X-linked intellectual disability syndrome. Last evaluated: 2022-08-16. Review status: criteria provided, single submitter. Criteria: Invitae Variant Classification Sherloc (09022015). Collection method: clinical testing. Allele origin: germline.
Comment: This sequence change replaces glutamic acid, which is acidic and polar, with aspartic acid, which is acidic and polar, at codon 1411 of the ATRX protein (p.Glu1411Asp). This variant is not present in population databases (gnomAD no frequency). This variant has not been reported in the literature in individuals affected with ATRX-related conditions. ClinVar contains an entry for this variant (Variation ID: 664883). Advanced modeling of protein sequence and biophysical properties (such as structural, functional, and spatial information, amino acid conservation, physicochemical variation, residue mobility, and thermodynamic stability) performed at Invitae indicates that this missense variant is not expected to disrupt ATRX protein function. In summary, the available evidence is currently insufficient to determine the role of this variant in disease. Therefore, it has been classified as a Variant of Uncertain Significance.